The following is an entry in ClinVar:

NM_000257.4(MYH7):c.4370A>G (p.Lys1457Arg)

Genes: MHRT (myosin heavy chain associated RNA transcript; plus strand), MYH7 (myosin heavy chain 7; minus strand). Cytogenetic location: 14q11.2.
Variant type: single nucleotide variant.
Coding change: c.4370A>G on transcript NM_000257.4 (MANE Select); coding-DNA position 4370, A replaced by G.
Protein change: p.Lys1457Arg; replaces lysine 1457 with arginine.
Molecular consequence: missense variant. On other transcripts: non-coding transcript variant (1).
Genome position (GRCh38, 1-based): chr14:23,417,302, T>C on the plus strand (A>G on the coding strand, the complement: MYH7 is on the minus strand). VCF-style: chr14-23417302-T-C. GRCh37 (hg19) VCF-style: chr14-23886511-T-C.
Other names: c.4370A>G, p.Lys1457Arg (NM_001407004.1); short protein forms K1457R.
Identifiers: ClinVar variation 3069779 (VCV003069779.1), dbSNP rs1382626483, ClinGen allele CA389038862.
Genomic context (GRCh38, chr14:23,417,302, plus strand): 5'-AGGGAGCGAGCCTCCTTCTGCGAGGACTCCAGCTCCGACTGCGACTCCTCATACTTCTGC[T>C]TCCACTCGGCCAGGATCTGCCCGGGGACAAGGCTCACTCTTCAGCCCCCCAGCCTCAGCC-3'
Protein context (NP_000248.2, residues 1447-1467): RNFDKILAEW[Lys1457Arg]QKYEESQSEL

ClinVar aggregate classification (germline): Uncertain significance (1 of 4 stars; one submission).

Conditions:
Cardiomyopathy (CMYO). Also called: Cardiomyopathies. Identifiers: Orphanet 167848, MedGen C0878544, MONDO:0004994, HP:0001638. Inheritance: Various modes of inheritance.

Submission:

All of Us Research Program, National Institutes of Health
Classification: Uncertain significance for Cardiomyopathy. Last evaluated: 2023-03-09. Review status: criteria provided, single submitter. Criteria: ACMG Guidelines, 2015. Collection method: clinical testing. Allele origin: germline. Inheritance: Autosomal dominant inheritance. Observed: 1 variant allele, 1 heterozygote.
Comment: This missense variant replaces lysine with arginine at codon 1457 of the MYH7 protein. Computational prediction is inconclusive regarding the impact of this variant on protein structure and function (internally defined REVEL score threshold 0.5 < inconclusive < 0.7, PMID: 27666373). To our knowledge, functional studies have not been reported for this variant. This variant has not been reported in individuals affected with MYH7-related disorders in the literature. This variant has been identified in 1/31388 chromosomes in the general population by the Genome Aggregation Database (gnomAD). The available evidence is insufficient to determine the role of this variant in disease conclusively. Therefore, this variant is classified as a Variant of Uncertain Significance.

This study involves interpretation of variants in research participants for the purpose of population health screening. Participant phenotype was not available at the time of variant classification. Additional details can be found in publication PMID: 35346344, PMCID: PMC8962531